The following is an entry in ClinVar:

NM_004577.4(PSPH):c.302G>A (p.Arg101Gln)

Gene: PSPH (phosphoserine phosphatase; minus strand). Cytogenetic location: 7p11.2.
Variant type: single nucleotide variant.
Coding change: c.302G>A on transcript NM_004577.4 (MANE Select); coding-DNA position 302, G replaced by A.
Protein change: p.Arg101Gln; replaces arginine 101 with glutamine.
Molecular consequence: missense variant.
Genome position (GRCh38, 1-based): chr7:56,017,353, C>T on the plus strand (G>A on the coding strand, the complement: PSPH is on the minus strand). VCF-style: chr7-56017353-C-T. GRCh37 (hg19) VCF-style: chr7-56085046-C-T.
Other names: c.302G>A, p.Arg101Gln (NM_001370503.1, NM_001370504.1, NM_001370505.1 and 17 more transcripts); short protein forms R101Q.
Identifiers: ClinVar variation 2079796 (VCV002079796.2), dbSNP rs377489734, ClinGen allele CA159016059.

ClinVar aggregate classification (germline): Uncertain significance (1 of 4 stars; one submission).

Conditions:
Deficiency of phosphoserine phosphatase (PSPHD). Also called: Phosphoserine phosphatase deficiency; PSPH deficiency. Identifiers: Orphanet 79350, MedGen C1291463, MONDO:0013531, OMIM 614023.

Allele frequency attached by ClinVar (database versions not stated): gnomAD 0.00003; TOPMed 0.00004; ESP Exome Variant Server 0.00008.
gnomAD v4.1: 36 of 1,595,764 alleles (0.0023%); highest among the groups gnomAD compares: Non-Finnish European, 0.003%; no homozygotes.

Submission:

Labcorp Genetics (formerly Invitae), Labcorp
Classification: Uncertain significance for Deficiency of phosphoserine phosphatase. Last evaluated: 2022-07-26. Review status: criteria provided, single submitter. Criteria: Invitae Variant Classification Sherloc (09022015). Collection method: clinical testing. Allele origin: germline.
Comment: In summary, the available evidence is currently insufficient to determine the role of this variant in disease. Therefore, it has been classified as a Variant of Uncertain Significance. Algorithms developed to predict the effect of missense changes on protein structure and function are either unavailable or do not agree on the potential impact of this missense change (SIFT: "Deleterious"; PolyPhen-2: "Benign"; Align-GVGD: "Class C0"). This variant has not been reported in the literature in individuals affected with PSPH-related conditions. This variant is present in population databases (rs377489734, gnomAD 0.005%). This sequence change replaces arginine, which is basic and polar, with glutamine, which is neutral and polar, at codon 101 of the PSPH protein (p.Arg101Gln).